The following is an entry in ClinVar:

NM_002474.3(MYH11):c.3651+6_3651+11del

Gene: MYH11 (myosin heavy chain 11; minus strand). Cytogenetic location: 16p13.11.
Variant type: Deletion.
Coding change: c.3651+6_3651+11del on transcript NM_002474.3 (MANE Select); bases 6 to 11 of the intron after coding-DNA position 3651, 6 bases deleted (GCTTTT; older notation c.3651+6_3651+11delGCTTTT).
Molecular consequence: intron variant.
Genome position (GRCh38, 1-based): chr16:15,732,553-15,732,558, AAAAGC deleted on the plus strand (GCTTTT on the coding strand, the reverse complement: MYH11 is on the minus strand); deleting any 6 consecutive bases within chr16:15,732,553-15,732,559 gives the same sequence; the c. name uses the placement nearest the transcript's 3' end. VCF-style (leftmost placement, unchanged base first): chr16-15732552-AAAAAGC-A. GRCh37 (hg19) VCF-style: chr16-15826409-AAAAAGC-A.
Other names: c.3651+6_3651+11delGCTTTT (NM_002474.2); c.3651+6_3651+11del (NM_022844.3); c.3672+6_3672+11del (NM_001040114.2, NM_001040113.2); c.3672+6_3672+11delGCTTTT (NM_001040113.2).
Identifiers: ClinVar variation 201030 (VCV000201030.48), dbSNP rs371843272, ClinGen allele CA306454.

ClinVar aggregate classification (germline): Conflicting classifications of pathogenicity. Review status: criteria provided, conflicting classifications (1 of 4 stars). 6 submissions from 6 submitters: Uncertain significance (2); Benign (2); Likely benign (2). Last evaluated 2026-08-01.

Conditions:
Familial thoracic aortic aneurysm and aortic dissection (TAAD). Also called: Thoracic aortic aneurysms and dissections. Identifiers: Orphanet 91387, MedGen C4707243, MONDO:0019625.
Aortic aneurysm, familial thoracic 4 (AAT4). Also called: AORTIC ANEURYSM/AORTIC DISSECTION AND PATENT DUCTUS ARTERIOSUS. Identifiers: MedGen C1851504, MONDO:0007568, OMIM 132900.

Submissions (6):

CeGaT Center for Human Genetics Tuebingen
Classification: Likely benign. Last evaluated: 2026-08-01. Review status: criteria provided, single submitter. Criteria: CeGaT Center For Human Genetics Tuebingen Variant Classification Criteria Version 2. Collection method: clinical testing. Allele origin: germline. Affected: yes. Observed: 5 variant alleles.
Comment: MYH11: BS2

Labcorp Genetics (formerly Invitae), Labcorp
Classification: Benign for Aortic aneurysm, familial thoracic 4. Last evaluated: 2026-02-03. Review status: criteria provided, single submitter. Criteria: Invitae Variant Classification Sherloc (09022015). Collection method: clinical testing. Allele origin: germline.

Women's Health and Genetics/Laboratory Corporation of America, LabCorp
Classification: Uncertain significance. Last evaluated: 2024-05-15. Review status: criteria provided, single submitter. Criteria: LabCorp Variant Classification Summary - May 2015. Collection method: clinical testing. Allele origin: germline.
Comment: Variant summary: MYH11 c.3672+6_3672+11delGCTTTT alters a nucleotide located close to a canonical splice site and therefore could affect mRNA splicing, leading to a significantly altered protein sequence. Consensus agreement among computation tools predict no significant impact on normal splicing. However, these predictions have yet to be confirmed by functional studies. The variant was absent in 1614204 control chromosomes (gnomAD database v4.0.0). The available data on variant occurrences in the general population are insufficient to allow any conclusion about variant significance. To our knowledge, no occurrence of c.3672+6_3672+11delGCTTTT in individuals affected with Aortopathy and no experimental evidence demonstrating its impact on protein function have been reported. ClinVar contains an entry for this variant (Variation ID: 201030). Based on the evidence outlined above, the variant was classified as uncertain significance.

CHEO Genetics Diagnostic Laboratory, Children's Hospital of Eastern Ontario
Classification: Uncertain significance for Familial thoracic aortic aneurysm and aortic dissection. Last evaluated: 2019-04-02. Review status: criteria provided, single submitter. Criteria: ACMG Guidelines, 2015. Collection method: clinical testing. Allele origin: germline.

Color Diagnostics, LLC DBA Color Health
Classification: Likely benign for Familial thoracic aortic aneurysm and aortic dissection. Last evaluated: 2018-07-15. Review status: criteria provided, single submitter. Criteria: ACMG Guidelines, 2015. Collection method: clinical testing. Allele origin: germline.

GeneDx
Classification: Benign for Thoracic aortic aneurysms and aortic dissections. Last evaluated: 2013-12-03. Review status: criteria provided, single submitter. Criteria: GeneDx Variant Classification (06012015). Collection method: clinical testing. Allele origin: germline. Affected: yes.
Comment: The variant is found in TAAD panel(s).